The following is an entry in ClinVar:

ClinVar aggregate classification (germline): Uncertain significance (1 of 4 stars; one submission).

Conditions:
PKD1-related disorder. Also called: PKD1-related condition.

Submission:

PreventionGenetics, part of Exact Sciences
Classification: Uncertain significance for PKD1-related condition. Last evaluated: 2026-02-24. Review status: criteria provided, single submitter. Criteria: ACMG Guidelines, 2015. Collection method: clinical testing. Allele origin: germline.
Comment: The PKD1 c.12168G>T variant is predicted to result in the amino acid substitution p.Trp4056Cys. To our knowledge, this variant has not been reported in the literature or in a large population database (gnomAD), indicating this variant is rare. At this time, the clinical significance of this variant is uncertain due to the absence of conclusive functional and genetic evidence.

NM_001009944.3(PKD1):c.12168G>T (p.Trp4056Cys)

Gene: PKD1 (polycystin 1, transient receptor potential channel interacting; minus strand). Cytogenetic location: 16p13.3.
Variant type: single nucleotide variant.
Coding change: c.12168G>T on transcript NM_001009944.3 (MANE Select); coding-DNA position 12168, G replaced by T.
Protein change: p.Trp4056Cys; replaces tryptophan 4056 with cysteine.
Molecular consequence: missense variant.
Genome position (GRCh38, 1-based): chr16:2,090,561, C>A on the plus strand (G>T on the coding strand, the complement: PKD1 is on the minus strand). VCF-style: chr16-2090561-C-A. GRCh37 (hg19) VCF-style: chr16-2140562-C-A.
Other names: c.12165G>T, p.Trp4055Cys (NM_000296.4); short protein forms W4056C, W4055C.
Identifiers: ClinVar variation 4991101 (VCV004991101.1).